The following is an entry in ClinVar:

NM_000071.3(CBS):c.1111G>C (p.Val371Leu)

Gene: CBS (cystathionine beta-synthase; minus strand). Cytogenetic location: 21q22.3.
Variant type: single nucleotide variant.
Coding change: c.1111G>C on transcript NM_000071.3 (MANE Select); coding-DNA position 1111, G replaced by C.
Protein change: p.Val371Leu; replaces valine 371 with leucine.
Molecular consequence: missense variant.
Genome position (GRCh38, 1-based): chr21:43,060,475, C>G on the plus strand (G>C on the coding strand, the complement: CBS is on the minus strand). VCF-style: chr21-43060475-C-G. GRCh37 (hg19) VCF-style: chr21-44480585-C-G.
Other names: c.1111G>C, p.Val371Leu (NM_001178008.3, NM_001178009.3, NM_001320298.2); c.796G>C, p.Val266Leu (NM_001321072.1); short protein forms V266L, V371L.
Identifiers: ClinVar variation 2908227 (VCV002908227.3), dbSNP rs372010465, ClinGen allele CA410398031.

ClinVar aggregate classification (germline): Likely pathogenic (1 of 4 stars; one submission).

Conditions:
HYPERHOMOCYSTEINEMIA, THROMBOTIC, CBS-RELATED. Identifiers: MedGen C3150344, OMIM 236200.

Submission:

Labcorp Genetics (formerly Invitae), Labcorp
Classification: Likely pathogenic for HYPERHOMOCYSTEINEMIA, THROMBOTIC, CBS-RELATED. Last evaluated: 2023-08-19. Review status: criteria provided, single submitter. Criteria: Invitae Variant Classification Sherloc (09022015). Collection method: clinical testing. Allele origin: germline.
Comment: In summary, the currently available evidence indicates that the variant is pathogenic, but additional data are needed to prove that conclusively. Therefore, this variant has been classified as Likely Pathogenic. This variant disrupts the p.Val371 amino acid residue in CBS. Other variant(s) that disrupt this residue have been determined to be pathogenic (PMID: 10364517, 12124992, 21030686, 22267502; Invitae). This suggests that this residue is clinically significant, and that variants that disrupt this residue are likely to be disease-causing. Advanced modeling of protein sequence and biophysical properties (such as structural, functional, and spatial information, amino acid conservation, physicochemical variation, residue mobility, and thermodynamic stability) performed at Invitae indicates that this missense variant is expected to disrupt CBS protein function. This variant has not been reported in the literature in individuals affected with CBS-related conditions. This variant is not present in population databases (gnomAD no frequency). This sequence change replaces valine, which is neutral and non-polar, with leucine, which is neutral and non-polar, at codon 371 of the CBS protein (p.Val371Leu).

Literature cited by the submitters: PubMed 10364517; PubMed 12124992; PubMed 21030686; PubMed 22267502.